The following is an entry in ClinVar:

NM_001481.3(DRC4):c.90+1543C>T

Genes: DRC4 (dynein regulatory complex subunit 4; plus strand), GAS8-AS1 (GAS8 antisense RNA 1; minus strand). Cytogenetic location: 16q24.3.
Variant type: single nucleotide variant.
Coding change: c.90+1543C>T on transcript NM_001481.3 (MANE Select); 1543 bases into the intron after coding-DNA position 90, C replaced by T.
Molecular consequence: intron variant.
Genome position (GRCh38, 1-based): chr16:90,029,265, C>T. VCF-style: chr16-90029265-C-T. GRCh37 (hg19) VCF-style: chr16-90095673-C-T.
Other names: c.15+1543C>T (NM_001286209.2); c.-283+1543C>T (NM_001286205.2); c.-555+1543C>T (NM_001286208.2).
Identifiers: ClinVar variation 3024804 (VCV003024804.22), dbSNP rs141306543, ClinGen allele CA8257601.

ClinVar aggregate classification (germline): Benign (1 of 4 stars; one submission).

Allele frequency attached by ClinVar (database versions not stated): 1000 Genomes Project 0.00539; 1000 Genomes Project 30x 0.00562; ExAC 0.00626; TOPMed 0.00691; ESP Exome Variant Server 0.00701; gnomAD 0.00719; gnomAD exomes 0.01025.
gnomAD v4.1: 13,562 of 1,365,616 alleles (0.99%); highest among the groups gnomAD compares: Middle Eastern, 1.2%; 99 homozygotes.

Submission:

CeGaT Center for Human Genetics Tuebingen
Classification: Benign. Last evaluated: 2026-06-01. Review status: criteria provided, single submitter. Criteria: CeGaT Center For Human Genetics Tuebingen Variant Classification Criteria Version 2. Collection method: clinical testing. Allele origin: germline. Affected: yes. Observed: 3 variant alleles.
Comment: GAS8-AS1: BS1, BS2